The following is an entry in ClinVar:

ClinVar aggregate classification (germline): Uncertain significance (1 of 4 stars; one submission).

Conditions:
Hereditary cancer-predisposing syndrome. Also called: Tumor predisposition; Neoplastic Syndromes, Hereditary; Hereditary neoplastic syndrome; Hereditary Cancer Syndrome. Identifiers: Orphanet 140162, MedGen C0027672, MeSH D009386, MONDO:0015356.

Submission:

Ambry Genetics
Classification: Uncertain significance for Hereditary cancer-predisposing syndrome. Last evaluated: 2025-08-27. Review status: criteria provided, single submitter. Criteria: Ambry Variant Classification Scheme 2023. Collection method: clinical testing. Allele origin: germline.
Comment: The p.G507A variant (also known as c.1520G>C), located in coding exon 16 of the MUTYH gene, results from a G to C substitution at nucleotide position 1520. The glycine at codon 507 is replaced by alanine, an amino acid with similar properties. This amino acid position is conserved. In addition, this alteration is predicted to be tolerated by in silico analysis. Based on the available evidence, the clinical significance of this variant remains unclear.

NM_001048174.2(MUTYH):c.1436G>C (p.Gly479Ala)

Gene: MUTYH (mutY DNA glycosylase; minus strand). Cytogenetic location: 1p34.1.
Variant type: single nucleotide variant.
Coding change: c.1436G>C on transcript NM_001048174.2 (MANE Select); coding-DNA position 1436, G replaced by C.
Protein change: p.Gly479Ala; replaces glycine 479 with alanine.
Molecular consequence: missense variant. On other transcripts: non-coding transcript variant (7).
Genome position (GRCh38, 1-based): chr1:45,329,436, C>G on the plus strand (G>C on the coding strand, the complement: MUTYH is on the minus strand). VCF-style: chr1-45329436-C-G. GRCh37 (hg19) VCF-style: chr1-45795108-C-G.
Other names: c.1436G>C, p.Gly479Ala (NM_001048171.2, NM_001048173.2, NM_001293195.2 and 6 more transcripts); c.1439G>C, p.Gly480Ala (NM_001048172.2, NM_001407086.1, NM_001407071.1 and 1 more transcripts); c.1520G>C, p.Gly507Ala (NM_001128425.2); c.1481G>C, p.Gly494Ala (NM_001293190.2); c.1469G>C, p.Gly490Ala (NM_001293191.2, NM_001407069.1, NM_001407077.1); c.1160G>C, p.Gly387Ala (NM_001293192.2, NM_001293196.2, NM_001407091.1); c.1091G>C, p.Gly364Ala (NM_001350650.2, NM_001350651.2, NM_001407082.1); c.1478G>C, p.Gly493Ala (NM_001407083.1, NM_001407085.1); and 5 more; short protein forms G493A, G486A, G490A, G494A, G507A, G387A, G451A, G466A.
Identifiers: ClinVar variation 4113319 (VCV004113319.1).
Genomic context (GRCh38, chr1:45,329,436, plus strand): 5'-TGCTGGCCCATGCGGGGCTTTTTCCGACTGCACGGAGAGGACACCTGGGACCTTTTGGAA[C>G]CCTGTGAAAAAATGGAAGGAGGGAGGCCTTGTAGTTGGGGGAGGGGGAGCAGAGAATCCT-3'
Protein context (NP_001041639.1, residues 469-489): YQGQQPGTCM[Gly479Ala]SKRSQVSSPC